The following is an entry in ClinVar:

NM_001365951.3(KIF1B):c.4013T>C (p.Ile1338Thr)

Gene: KIF1B (kinesin family member 1B; plus strand). Cytogenetic location: 1p36.22.
Variant type: single nucleotide variant.
Coding change: c.4013T>C on transcript NM_001365951.3 (MANE Select); coding-DNA position 4013, T replaced by C.
Protein change: p.Ile1338Thr; replaces isoleucine 1338 with threonine.
Molecular consequence: missense variant.
Genome position (GRCh38, 1-based): chr1:10,352,694, T>C. VCF-style: chr1-10352694-T-C. GRCh37 (hg19) VCF-style: chr1-10412752-T-C.
Other names: c.4013T>C, p.Ile1338Thr (NM_001365952.1); c.3875T>C, p.Ile1292Thr (NM_015074.3); short protein forms I1338T, I1292T.
Identifiers: ClinVar variation 5023217 (VCV005023217.1).

ClinVar aggregate classification (germline): Uncertain significance (1 of 4 stars; one submission).

Submission:

Ambry Genetics
Classification: Uncertain significance. Last evaluated: 2026-08-10. Review status: criteria provided, single submitter. Criteria: Ambry Variant Classification Scheme 2023. Collection method: clinical testing. Allele origin: germline.
Comment: The p.I1292T variant (also known as c.3875T>C), located in coding exon 35 of the KIF1B gene, results from a T to C substitution at nucleotide position 3875. The isoleucine at codon 1292 is replaced by threonine, an amino acid with similar properties. This amino acid position is conserved. In addition, this alteration is predicted to be deleterious by in silico analysis. Based on the available evidence, the clinical significance of this variant remains unclear.